The following is an entry in ClinVar:

NM_014846.4(WASHC5):c.712-25T>C

Gene: WASHC5 (WASH complex subunit 5; minus strand). Cytogenetic location: 8q24.13.
Variant type: single nucleotide variant.
Coding change: c.712-25T>C on transcript NM_014846.4 (MANE Select); 25 bases into the intron before coding-DNA position 712, T replaced by C.
Molecular consequence: intron variant.
Genome position (GRCh38, 1-based): chr8:125,076,525, A>G on the plus strand (T>C on the coding strand, the complement: WASHC5 is on the minus strand). VCF-style: chr8-125076525-A-G. GRCh37 (hg19) VCF-style: chr8-126088767-A-G.
Other names: c.268-25T>C (NM_001330609.2).
Identifiers: ClinVar variation 682813 (VCV000682813.2), dbSNP rs74999306, ClinGen allele CA4874034.

ClinVar aggregate classification (germline): Likely benign. Review status: criteria provided, multiple submitters, no conflicts (2 of 4 stars). 2 submissions from 2 submitters: Likely benign (2). Last evaluated 2018-06-14.

Allele frequency attached by ClinVar (database versions not stated): 1000 Genomes Project 0.00459; 1000 Genomes Project 30x 0.00468; TOPMed 0.01216; gnomAD 0.01254 and 0.01307; gnomAD exomes 0.01289 and 0.01870; ExAC 0.01377; ESP Exome Variant Server 0.01469.
gnomAD v4.1: 29,014 of 1,612,724 alleles (1.8%); highest among the groups gnomAD compares: Non-Finnish European, 2.2%; 316 homozygotes.

Submissions (2):

GeneDx
Classification: Likely benign. Last evaluated: 2018-06-14. Review status: criteria provided, single submitter. Criteria: GeneDx Variant Classification (06012015). Collection method: clinical testing. Allele origin: germline. Affected: yes.
Comment: This variant is considered likely benign or benign based on one or more of the following criteria: it is a conservative change, it occurs at a poorly conserved position in the protein, it is predicted to be benign by multiple in silico algorithms, and/or has population frequency not consistent with disease.

Breakthrough Genomics
Classification: Likely benign. Review status: criteria provided, single submitter. Criteria: ACMG Guidelines, 2015. Collection method: not provided. Allele origin: germline. Inheritance: Autosomal recessive inheritance. Affected: yes.